The following is an entry in ClinVar:

NM_000441.2(SLC26A4):c.2188C>T (p.Gln730Ter)

Genes: SLC26A4 (solute carrier family 26 member 4; plus strand), LOC123956210 (Sharpr-MPRA regulatory region 3291; plus strand). Cytogenetic location: 7q22.3.
Variant type: single nucleotide variant.
Coding change: c.2188C>T on transcript NM_000441.2 (MANE Select); coding-DNA position 2188, C replaced by T.
Protein change: p.Gln730Ter; replaces glutamine 730 with a stop codon.
Molecular consequence: nonsense.
Genome position (GRCh38, 1-based): chr7:107,710,152, C>T. VCF-style: chr7-107710152-C-T. GRCh37 (hg19) VCF-style: chr7-107350597-C-T.
Other names: short protein forms Q730*.
Identifiers: ClinVar variation 43542 (VCV000043542.10), dbSNP rs397516428, ClinGen allele CA261427.

ClinVar aggregate classification (germline): Pathogenic. Review status: criteria provided, multiple submitters, no conflicts (2 of 4 stars). 2 submissions from 2 submitters: Pathogenic (2). Last evaluated 2024-02-19.

Conditions:
Rare genetic deafness. Identifiers: Orphanet 96210, MedGen C5680250.

Allele frequency attached by ClinVar (database versions not stated): TOPMed 0.00001.

Submissions (2):

Labcorp Genetics (formerly Invitae), Labcorp
Classification: Pathogenic. Last evaluated: 2024-02-19. Review status: criteria provided, single submitter. Criteria: Invitae Variant Classification Sherloc (09022015). Collection method: clinical testing. Allele origin: germline.
Comment: This sequence change creates a premature translational stop signal (p.Gln730*) in the SLC26A4 gene. It is expected to result in an absent or disrupted protein product. Loss-of-function variants in SLC26A4 are known to be pathogenic (PMID: 16283880, 25394566, 26252218, 26445815). This variant is not present in population databases (gnomAD no frequency). This variant has not been reported in the literature in individuals affected with SLC26A4-related conditions. ClinVar contains an entry for this variant (Variation ID: 43542). For these reasons, this variant has been classified as Pathogenic.

Laboratory for Molecular Medicine, Mass General Brigham Personalized Medicine
Classification: Pathogenic for Rare genetic deafness. Last evaluated: 2010-12-06. Review status: criteria provided, single submitter. Criteria: LMM Criteria. Collection method: clinical testing. Allele origin: germline. Observed: 1 variant allele.
Comment: The Gln730X variant in SLC26A4 has not been reported in the literature nor previ ously identified by our laboratory. However, this variant leads to a premature s top codon at position 730, which is predicted to lead to a truncated or absent p rotein. Therefore, this variant meets our criteria to be classified as pathogeni c.

Literature cited by the submitters: PubMed 16283880 (cited by Labcorp Genetics (formerly Invitae), Labcorp); PubMed 25394566 (cited by Labcorp Genetics (formerly Invitae), Labcorp); PubMed 26252218 (cited by Labcorp Genetics (formerly Invitae), Labcorp); PubMed 26445815 (cited by Labcorp Genetics (formerly Invitae), Labcorp).